The following is an entry in ClinVar:

ClinVar aggregate classification (germline): Benign/Likely benign. Review status: criteria provided, multiple submitters, no conflicts (2 of 4 stars). 10 submissions from 10 submitters: Benign (1); Likely benign (8). 1 of the submissions does not count toward it. Last evaluated 2026-01-19.

Conditions:
MSH6-related disorder. Also called: MSH6-related condition; MSH6-Related disorders.
Lynch syndrome. Identifiers: Orphanet 144, MedGen C4552100, MONDO:0005835. Disease mechanism: loss of function.
Hereditary nonpolyposis colorectal neoplasms. Identifiers: MedGen C0009405, MeSH D003123.
Lynch syndrome 5 (LYNCH5). Also called: Colorectal cancer, hereditary nonpolyposis, type 5; Hereditary non-polyposis colorectal cancer, type 5. Identifiers: Orphanet 144, MedGen C1833477, MONDO:0013710, OMIM 614350. Disease mechanism: loss of function.
Hereditary cancer-predisposing syndrome. Also called: Neoplastic Syndromes, Hereditary; Tumor predisposition; Hereditary Cancer Syndrome; Hereditary neoplastic syndrome. Identifiers: Orphanet 140162, MedGen C0027672, MeSH D009386, MONDO:0015356.

Allele frequency attached by ClinVar (database versions not stated): ExAC 0.00001; TOPMed 0.00003; gnomAD 0.00007 and 0.00008.
gnomAD v4.1: 15 of 1,613,046 alleles (0.00093%); highest among the groups gnomAD compares: African/African-American, 0.019%; no homozygotes.

Submissions (10):

Labcorp Genetics (formerly Invitae), Labcorp
Classification: Likely benign for Hereditary nonpolyposis colorectal neoplasms. Last evaluated: 2026-01-19. Review status: criteria provided, single submitter. Criteria: Invitae Variant Classification Sherloc (09022015). Collection method: clinical testing. Allele origin: germline.

Myriad Genetics, Inc.
Classification: Benign for Lynch syndrome 5. Last evaluated: 2024-12-31. Review status: criteria provided, single submitter. Criteria: Myriad Autosomal Dominant, Autosomal Recessive and X-Linked Classification Criteria (2023). Collection method: clinical testing. Allele origin: unknown.
Comment: This variant is considered benign. This variant is a silent/synonymous amino acid change and it is not expected to impact splicing.

All of Us Research Program, National Institutes of Health
Classification: Likely benign for Lynch syndrome. Last evaluated: 2024-05-14. Review status: criteria provided, single submitter. Criteria: ACMG Guidelines, 2015. Collection method: clinical testing. Allele origin: germline. Inheritance: Autosomal dominant inheritance. Observed: 1 variant allele, 1 heterozygote.
Comment: This study involves interpretation of variants in research participants for the purpose of population health screening. Participant phenotype was not available at the time of variant classification. Additional details can be found in publication PMID: 35346344, PMCID: PMC8962531

KCCC/NGS Laboratory, Kuwait Cancer Control Center
Classification: Likely benign for Lynch syndrome 5. Last evaluated: 2023-07-07. Review status: criteria provided, single submitter. Criteria: ACMG Guidelines, 2015. Collection method: clinical testing. Allele origin: germline. Affected: yes.

Quest Diagnostics Nichols Institute San Juan Capistrano
Classification: Likely benign. Last evaluated: 2022-09-23. Review status: criteria provided, single submitter. Criteria: Quest Diagnostics criteria. Collection method: clinical testing. Allele origin: unknown.

GeneDx
Classification: Likely benign. Last evaluated: 2021-04-15. Review status: criteria provided, single submitter. Criteria: GeneDx Variant Classification Process June 2021. Collection method: clinical testing. Allele origin: germline. Affected: yes.

Sema4
Classification: Likely benign for Hereditary cancer-predisposing syndrome. Last evaluated: 2021-01-04. Review status: criteria provided, single submitter. Criteria: Sema4 Curation Guidelines. Collection method: curation. Allele origin: germline.

Color Diagnostics, LLC DBA Color Health
Classification: Likely benign for Hereditary cancer-predisposing syndrome. Last evaluated: 2015-04-27. Review status: criteria provided, single submitter. Criteria: ACMG Guidelines, 2015. Collection method: clinical testing. Allele origin: germline.

Ambry Genetics
Classification: Likely benign for Hereditary cancer-predisposing syndrome. Last evaluated: 2015-04-17. Review status: criteria provided, single submitter. Criteria: Ambry Variant Classification Scheme 2023. Collection method: clinical testing. Allele origin: germline.

PreventionGenetics, part of Exact Sciences
Classification: Likely benign for MSH6-related condition. Last evaluated: 2023-03-17. Review status: no assertion criteria provided. Collection method: clinical testing. Allele origin: germline. Not counted in ClinVar's aggregate classification.
Comment: This variant is classified as likely benign based on ACMG/AMP sequence variant interpretation guidelines (Richards et al. 2015 PMID: 25741868, with internal and published modifications).

NM_000179.3(MSH6):c.2493C>T (p.Pro831=)

Gene: MSH6 (mutS homolog 6; plus strand). Cytogenetic location: 2p16.3.
Variant type: single nucleotide variant.
Coding change: c.2493C>T on transcript NM_000179.3 (MANE Select); coding-DNA position 2493, C replaced by T.
Protein change: p.Pro831=; no amino-acid change (proline 831 retained).
Molecular consequence: synonymous variant.
Genome position (GRCh38, 1-based): chr2:47,800,476, C>T. VCF-style: chr2-47800476-C-T. GRCh37 (hg19) VCF-style: chr2-48027615-C-T.
Other names: c.2103C>T, p.Pro701= (NM_001281492.2); c.1587C>T, p.Pro529= (NM_001281493.2, NM_001281494.2).
Identifiers: ClinVar variation 231388 (VCV000231388.26), dbSNP rs778911612, ClinGen allele CA069116.